The following is an entry in ClinVar:

ClinVar aggregate classification (germline): Uncertain significance (1 of 4 stars; one submission).

Conditions:
Cardiovascular phenotype. Identifiers: MedGen CN230736.

Submission:

Ambry Genetics
Classification: Uncertain significance for Cardiovascular phenotype. Last evaluated: 2022-04-06. Review status: criteria provided, single submitter. Criteria: Ambry Variant Classification Scheme 2023. Collection method: clinical testing. Allele origin: germline.
Comment: The p.I552L variant (also known as c.1654A>C), located in coding exon 12 of the ABCG5 gene, results from an A to C substitution at nucleotide position 1654. The isoleucine at codon 552 is replaced by leucine, an amino acid with highly similar properties. This amino acid position is conserved. In addition, this alteration is predicted to be tolerated by in silico analysis. Since supporting evidence is limited at this time, the clinical significance of this alteration remains unclear.

NM_022436.3(ABCG5):c.1654A>C (p.Ile552Leu)

Genes: ABCG5 (ATP binding cassette subfamily G member 5; minus strand), DYNC2LI1 (dynein cytoplasmic 2 light intermediate chain 1; plus strand). Cytogenetic location: 2p21.
Variant type: single nucleotide variant.
Coding change: c.1654A>C on transcript NM_022436.3 (MANE Select); coding-DNA position 1654, A replaced by C.
Protein change: p.Ile552Leu; replaces isoleucine 552 with leucine.
Molecular consequence: missense variant. On other transcripts: intron variant (2).
Genome position (GRCh38, 1-based): chr2:43,814,585, T>G on the plus strand (A>C on the coding strand, the complement: ABCG5 is on the minus strand). VCF-style: chr2-43814585-T-G. GRCh37 (hg19) VCF-style: chr2-44041724-T-G.
Other names: c.*15+4061T>G (NM_001348913.2, NM_001348912.2); short protein forms I552L.
Identifiers: ClinVar variation 1777311 (VCV001777311.2), dbSNP rs2465897154, ClinGen allele CA346662735.